The following is an entry in ClinVar:

NM_002296.4(LBR):c.1741_1742del (p.Val581fs)

Gene: LBR (lamin B receptor; minus strand). Cytogenetic location: 1q42.12.
Variant type: Deletion.
Coding change: c.1741_1742del on transcript NM_002296.4 (MANE Select); coding-DNA positions 1741 to 1742, 2 bases deleted (GT; older notation c.1741_1742delGT).
Protein change: p.Val581fs; shifts the reading frame from valine 581.
Molecular consequence: frameshift variant.
Genome position (GRCh38, 1-based): chr1:225,403,409-225,403,410, AC deleted on the plus strand (GT on the coding strand, the reverse complement: LBR is on the minus strand); deleting any 2 consecutive bases within chr1:225,403,409-225,403,411 gives the same sequence; the c. name uses the placement nearest the transcript's 3' end. VCF-style (leftmost placement, unchanged base first): chr1-225403408-GAC-G. GRCh37 (hg19) VCF-style: chr1-225591110-GAC-G.
Other names: c.1741_1742del, p.Val581fs (NM_194442.3); short protein forms V581fs.
Identifiers: ClinVar variation 1390897 (VCV001390897.6), dbSNP rs2150942257, ClinGen allele CA2573132794.
Genomic context (GRCh38, chr1:225,403,408, plus strand): 5'-CTTTTCCCAAGCCACGCCGTATTTCTTCTTACAGTGGTACTCGTCACGAGCTTCTCGGTG[GAC>G]AAGCAACATGGTGAAATAAATTATGTAGAAATAAGGCAGAATGTGGTTAAAACCTGTGGA-3'

ClinVar aggregate classification (germline): Pathogenic (1 of 4 stars; one submission).

Submission:

Labcorp Genetics (formerly Invitae), Labcorp
Classification: Pathogenic. Last evaluated: 2021-08-17. Review status: criteria provided, single submitter. Criteria: Invitae Variant Classification Sherloc (09022015). Collection method: clinical testing. Allele origin: germline.
Comment: For these reasons, this variant has been classified as Pathogenic. This variant disrupts a region of the LBR protein in which other variant(s) (p.Arg583Gln) have been determined to be pathogenic (PMID: 21327084, 27336722, 32304187). This suggests that this is a clinically significant region of the protein, and that variants that disrupt it are likely to be disease-causing. This premature translational stop signal has been observed in individual(s) with Pelger-Huet anomaly (Invitae). This variant is not present in population databases (ExAC no frequency). This sequence change creates a premature translational stop signal (p.Val581Profs*6) in the LBR gene. While this is not anticipated to result in nonsense mediated decay, it is expected to disrupt the last 35 amino acid(s) of the LBR protein.

Literature cited by the submitters: PubMed 21327084; PubMed 27336722; PubMed 32304187.